The following is an entry in ClinVar:

NM_006017.3(PROM1):c.1276dup (p.Thr426fs)

Gene: PROM1 (prominin 1; minus strand). Cytogenetic location: 4p15.32.
Variant type: Duplication.
Coding change: c.1276dup on transcript NM_006017.3 (MANE Select); coding-DNA position 1276, one base duplicated (A; older notation c.1276dupA).
Protein change: p.Thr426fs; shifts the reading frame from threonine 426.
Molecular consequence: frameshift variant.
Genome position (GRCh38, 1-based): chr4:16,008,974, T duplicated on the plus strand (A on the coding strand, the reverse complement: PROM1 is on the minus strand). VCF-style (leftmost placement, unchanged base first): chr4-16008973-G-GT. GRCh37 (hg19) VCF-style: chr4-16010596-G-GT.
Other names: c.1276dupA (NM_006017.2); c.1249dup, p.Thr417fs (NM_001145847.2, NM_001145848.2, NM_001145851.2 and 4 more transcripts); c.1276dup, p.Thr426fs (NM_001145849.2, NM_001145850.2); short protein forms T417fs, T426fs.
Identifiers: ClinVar variation 857834 (VCV000857834.13), dbSNP rs747800874, ClinGen allele CA2866823.
Genomic context (GRCh38, chr4:16,008,973, plus strand): 5'-ACTCTCGTAGTTCACCAGCTCCAAGGAGACACTCACCAGTATGAATCATACTCTTCCAAT[G>GT]TAGGTAAATTTCTGTGGATGTAACTTTCAGTGTTATTAACATAAACAGAGAATGCTGAGA-3'

ClinVar aggregate classification (germline): Conflicting classifications of pathogenicity. Review status: criteria provided, conflicting classifications (1 of 4 stars). 5 submissions from 5 submitters: Pathogenic (1); Likely pathogenic (3); Uncertain significance (1). Last evaluated 2025-08-28.

Conditions:
PROM1-related disorder. Also called: PROM1-related condition; PROM1-related disorders.

Allele frequency attached by ClinVar (database versions not stated): gnomAD 0.00008 and 0.00007; ESP Exome Variant Server 0.00009; gnomAD exomes below 0.00001 and 0.00001; ExAC 0.00002; TOPMed 0.00007.

Submissions (5):

PreventionGenetics, part of Exact Sciences
Classification: Likely pathogenic for PROM1-related condition. Last evaluated: 2025-08-28. Review status: criteria provided, single submitter. Criteria: ACMG Guidelines, 2015. Collection method: clinical testing. Allele origin: germline.
Comment: The PROM1 c.1276dupA variant is predicted to result in a frameshift and premature protein termination (p.Thr426Asnfs*6). To our knowledge, this variant has not been reported in individuals with PROM1-associated conditions in the literature. This variant is present in 0.017% of alleles in individuals of African descent in gnomAD. Frameshift variants in PROM1 are expected to be pathogenic for autosomal recessive disease. This variant is interpreted as likely pathogenic for autosomal recessive disease.

Labcorp Genetics (formerly Invitae), Labcorp
Classification: Pathogenic. Last evaluated: 2025-08-24. Review status: criteria provided, single submitter. Criteria: Invitae Variant Classification Sherloc (09022015). Collection method: clinical testing. Allele origin: germline.
Comment: This sequence change creates a premature translational stop signal (p.Thr426Asnfs*6) in the PROM1 gene. It is expected to result in an absent or disrupted protein product. Loss-of-function variants in PROM1 are known to be pathogenic (PMID: 17605048, 19718270, 24154662, 25474345). This variant is present in population databases (rs747800874, gnomAD 0.02%). This premature translational stop signal has been observed in individual(s) with autosomal recessive retinitis pigmentosa (internal data). ClinVar contains an entry for this variant (Variation ID: 857834). For these reasons, this variant has been classified as Pathogenic.

Revvity Omics, Revvity
Classification: Likely pathogenic. Last evaluated: 2025-03-28. Review status: criteria provided, single submitter. Criteria: ACMG Guidelines, 2015. Collection method: clinical testing. Allele origin: germline.

GeneDx
Classification: Uncertain significance. Last evaluated: 2023-03-22. Review status: criteria provided, single submitter. Criteria: GeneDx Variant Classification Process June 2021. Collection method: clinical testing. Allele origin: germline. Affected: yes.
Comment: Frameshift variant predicted to result in protein truncation or nonsense mediated decay in a gene for which loss of function is a known mechanism of disease; Has not been previously published as pathogenic or benign to our knowledge; This variant is associated with the following publications: (PMID: 31964843)

Blueprint Genetics
Classification: Likely pathogenic for PROM1-related disorders. Last evaluated: 2022-11-30. Review status: criteria provided, single submitter. Criteria: ACMG Guidelines, 2015. Collection method: clinical testing. Allele origin: germline. Affected: yes. Observed: 4 variant alleles.

Literature cited by the submitters: PubMed 17605048 (cited by Labcorp Genetics (formerly Invitae), Labcorp); PubMed 19718270 (cited by Labcorp Genetics (formerly Invitae), Labcorp); PubMed 24154662 (cited by Labcorp Genetics (formerly Invitae), Labcorp); PubMed 25474345 (cited by Labcorp Genetics (formerly Invitae), Labcorp).